The following is an entry in ClinVar:

ClinVar aggregate classification (germline): Pathogenic/Likely pathogenic. Review status: criteria provided, multiple submitters, no conflicts (2 of 4 stars). 7 submissions from 7 submitters: Pathogenic (3); Likely pathogenic (3). 1 of the submissions does not count toward it. Last evaluated 2025-06-03.

Conditions:
ELP1-Associated Medulloblastoma. Identifiers: MedGen C5670652.
Familial dysautonomia. Also called: FD; HSAN III. Identifiers: Orphanet 1764, MedGen C0013364, MONDO:0009131, OMIM 223900. Disease mechanism: loss of function.

Allele frequency attached by ClinVar (database versions not stated): TOPMed below 0.00001; gnomAD exomes 0.00001 and 0.00002; ExAC 0.00002.

Submissions (7):

Natera, Inc.
Classification: Likely pathogenic for Familial dysautonomia. Last evaluated: 2025-06-03. Review status: criteria provided, single submitter. Criteria: Natera Variant Classification Schema (03/2026). Collection method: clinical testing. Allele origin: germline.
Comment: The c.2499dupT variant in ELP1 is a frameshift variant predicted to shift the reading frame and introduce a stop codon. This variant is expected to result in nonsense mediated decay, truncation, or a dysfunctional protein product. This variant is rare in the general population with a frequency below the threshold expected for the associated phenotype(s). Given the available evidence, this variant is classified as Likely Pathogenic.

Institute for Genomic Medicine (IGM) Clinical Laboratory, Nationwide Children's Hospital
Classification: Likely pathogenic for ELP1-Associated Medulloblastoma. Last evaluated: 2025-05-09. Review status: criteria provided, single submitter. Criteria: ACMG Guidelines, 2015. Collection method: clinical testing. Allele origin: germline.
Comment: This variant is predicted to result in loss of function through nonsense-mediated decay of the encoded transcript or premature truncation of the encoded protein in a gene in which loss of function is a known mechanism of disease (ACMG/AMP: PVS1; PMIDs:32296180, 34687117). This variant is absent from or present at an exceedingly low frequency in gnomAD, a large-scale control population database (ACMG/AMP: PM2).

Labcorp Genetics (formerly Invitae), Labcorp
Classification: Pathogenic. Last evaluated: 2025-02-18. Review status: criteria provided, single submitter. Criteria: Invitae Variant Classification Sherloc (09022015). Collection method: clinical testing. Allele origin: germline.
Comment: This sequence change creates a premature translational stop signal (p.Lys834*) in the ELP1 gene. It is expected to result in an absent or disrupted protein product. Loss-of-function variants in ELP1 are known to be pathogenic (PMID: 18303054, 24173031). This variant is present in population databases (rs767527819, gnomAD 0.004%). This variant has not been reported in the literature in individuals affected with ELP1-related conditions. ClinVar contains an entry for this variant (Variation ID: 423215). Algorithms developed to predict the effect of sequence changes on RNA splicing suggest that this variant may disrupt the consensus splice site. For these reasons, this variant has been classified as Pathogenic.

Ambry Genetics
Classification: Pathogenic. Last evaluated: 2023-02-10. Review status: criteria provided, single submitter. Criteria: Ambry Variant Classification Scheme 2023. Collection method: clinical testing. Allele origin: germline.
Comment: The c.2499dupT (p.K834*) alteration, located in exon 23 (coding exon 22) of the IKBKAP gene, consists of a duplication of T at position 2499. This changes the amino acid from a lysine (K) to a stop codon at amino acid position 834. This alteration is expected to result in loss of function by premature protein truncation or nonsense-mediated mRNA decay. Based on data from gnomAD, the TT allele has an overall frequency of 0.002% (5/251338) total alleles studied. The highest observed frequency was 0.004% (5/113630) of European (non-Finnish) alleles. Based on the available evidence, this alteration is classified as pathogenic.

Fulgent Genetics
Classification: Pathogenic for Familial dysautonomia. Last evaluated: 2021-06-30. Review status: criteria provided, single submitter. Criteria: ACMG Guidelines, 2015. Collection method: clinical testing. Allele origin: unknown.
Comment: This variant has been detected in individual(s) who were sent for testing of Renasight - kidney gene panel.

GeneDx
Classification: Likely pathogenic. Last evaluated: 2017-01-31. Review status: criteria provided, single submitter. Criteria: GeneDx Variant Classification (06012015). Collection method: clinical testing. Allele origin: germline. Affected: yes.
Comment: A novel c.2499dupT variant that is likely pathogenic has been identified in the IKBKAP gene. The c.2499dupT variant has not been published as a pathogenic variant, nor has it been reported as a benign variant to our knowledge. The c.2499dupT variant causes a frameshift starting with codon Lysine 834 and changes this amino acid to a premature Stop codon, denoted p.Lys834Ter. This variant is predicted to cause loss of normal protein function either through protein truncation or nonsense-mediated mRNA decay. Furthermore, the c.2499dupT variant is not observed with any significant frequency in large population cohorts (Lek et al., 2016; 1000 Genomes Consortium et al., 2015; Exome Variant Server). Therefore, this variant is likely pathogenic; however, the possibility that it is benign cannot be excluded.

Counsyl
Classification: Likely pathogenic for Familial dysautonomia. Last evaluated: 2017-05-15. Review status: no assertion criteria provided. Collection method: clinical testing. Allele origin: unknown. Not counted in ClinVar's aggregate classification.

Literature cited by the submitters: PubMed 32296180 (cited by Institute for Genomic Medicine (IGM) Clinical Laboratory, Nationwide Children's Hospital); PubMed 34687117 (cited by Institute for Genomic Medicine (IGM) Clinical Laboratory, Nationwide Children's Hospital); PubMed 18303054 (cited by Labcorp Genetics (formerly Invitae), Labcorp); PubMed 24173031 (cited by Labcorp Genetics (formerly Invitae), Labcorp).

NM_003640.5(ELP1):c.2499dup (p.Lys834Ter)

Gene: ELP1 (elongator acetyltransferase complex subunit 1; minus strand). Cytogenetic location: 9q31.3.
Variant type: Duplication.
Coding change: c.2499dup on transcript NM_003640.5 (MANE Select); coding-DNA position 2499, one base duplicated (T; older notation c.2499dupT).
Protein change: p.Lys834Ter; replaces lysine 834 with a stop codon.
Molecular consequence: nonsense.
Genome position (GRCh38, 1-based): chr9:108,897,150, A duplicated on the plus strand (T on the coding strand, the reverse complement: ELP1 is on the minus strand). VCF-style (leftmost placement, unchanged base first): chr9-108897149-T-TA. GRCh37 (hg19) VCF-style: chr9-111659429-T-TA.
Other names: c.2499dup (LRG_251t1, NM_003640.3); c.2157dup, p.Lys720Ter (NM_001318360.2); c.1452dup, p.Lys485Ter (NM_001330749.2); c.2499dupT (NM_003640.4); short protein forms K720*, K834*, K485*.
Identifiers: ClinVar variation 423215 (VCV000423215.18), dbSNP rs767527819, ClinGen allele CA5174635.
Genomic context (GRCh38, chr9:108,897,149, plus strand): 5'-CAAGGACAACTACACACTTCGGTTTTTCAAAGGATGCCACCTGGTGACAGCATACATACT[T>TA]ATGAGGATTTATGCTCTCCATGACTGCTCTCATAGCATCGCAGACAAGGTCTATTTTATT-3'